The following is an entry in ClinVar:

NM_000202.8(IDS):c.36G>A (p.Trp12Ter)

Genes: IDS (iduronate 2-sulfatase; minus strand), LOC130068781 (ATAC-STARR-seq lymphoblastoid active region 30015; plus strand). Cytogenetic location: Xq28.
Variant type: single nucleotide variant.
Coding change: c.36G>A on transcript NM_000202.8 (MANE Select); coding-DNA position 36, G replaced by A.
Protein change: p.Trp12Ter; replaces tryptophan 12 with a stop codon.
Molecular consequence: nonsense. On other transcripts: 5 prime UTR variant (1), non-coding transcript variant (1).
Genome position (GRCh38, 1-based): chrX:149,505,102, C>T on the plus strand (G>A on the coding strand, the complement: IDS is on the minus strand). VCF-style: chrX-149505102-C-T. GRCh37 (hg19) VCF-style: chrX-148586632-C-T.
Other names: c.-191G>A (NM_001166550.4); c.36G>A, p.Trp12Ter (NM_006123.5); short protein forms W12*.
Identifiers: ClinVar variation 2737394 (VCV002737394.5), dbSNP rs2520910742, ClinGen allele CA414528590.

ClinVar aggregate classification (germline): Pathogenic. Review status: criteria provided, multiple submitters, no conflicts (2 of 4 stars). 2 submissions from 2 submitters: Pathogenic (2). Last evaluated 2024-06-07.

Conditions:
Mucopolysaccharidosis, MPS-II (MPS2). Also called: Mucopolysaccharidosis with skin involvement; Mucopolysaccharidosis type 2; Attenuated MPS (subtype; formerly known as mild MPS II); Severe MPS II; I2S deficiency; MPS 2. Identifiers: Orphanet 580, Orphanet 79388, MedGen C0026705, MONDO:0010674, OMIM 309900.

Submissions (2):

Laboratory of Diagnosis and Therapy of Lysosomal Disorders, University of Padova
Classification: Pathogenic for Mucopolysaccharidosis, MPS-II. Last evaluated: 2024-06-07. Review status: criteria provided, single submitter. Criteria: ACMG Guidelines, 2015. Collection method: literature only. Allele origin: germline. Affected: yes. Observed: 1 variant allele.
Comment: Null variant (PVS1_VeryStrong), Absent from controls (or at low frequency) in gnomAD database (PM2_Moderate), Patient’s phenotype or family history highly specific for the disease (PP4_Moderate)

Classification method: ACMG Guidelines [PMID:25741868] with modifications

Labcorp Genetics (formerly Invitae), Labcorp
Classification: Pathogenic for Mucopolysaccharidosis, MPS-II. Last evaluated: 2022-12-26. Review status: criteria provided, single submitter. Criteria: Invitae Variant Classification Sherloc (09022015). Collection method: clinical testing. Allele origin: germline.
Comment: For these reasons, this variant has been classified as Pathogenic. This premature translational stop signal has been observed in individual(s) with mucopolysaccharidosis type II (PMID: 16133661). This variant is not present in population databases (gnomAD no frequency). This sequence change creates a premature translational stop signal (p.Trp12*) in the IDS gene. It is expected to result in an absent or disrupted protein product. Loss-of-function variants in IDS are known to be pathogenic (PMID: 8940265, 9875019).

Literature cited by the submitters: PubMed 16133661 (cited by Laboratory of Diagnosis and Therapy of Lysosomal Disorders, University of Padova and Labcorp Genetics (formerly Invitae), Labcorp); PubMed 8940265 (cited by Labcorp Genetics (formerly Invitae), Labcorp); PubMed 9875019 (cited by Labcorp Genetics (formerly Invitae), Labcorp).